The following is an entry in ClinVar:

ClinVar aggregate classification (germline): Likely benign. Review status: criteria provided, multiple submitters, no conflicts (2 of 4 stars). 5 submissions from 4 submitters: Likely benign (5). Last evaluated 2026-06-15.

Conditions:
Developmental and epileptic encephalopathy, 14 (DEE14). Also called: Early infantile epileptic encephalopathy 14. Identifiers: Orphanet 293181, MedGen C3554195, MONDO:0013989, OMIM 614959.
Autosomal dominant nocturnal frontal lobe epilepsy 5. Also called: Epilepsy, nocturnal frontal lobe, 5; KCNT1-Related Epilepsy; CILIARY DYSKINESIA, PRIMARY, 28, WITHOUT SITUS INVERSUS; CILIARY DYSKINESIA, PRIMARY, 28, WITH SITUS INVERSUS. Identifiers: Orphanet 98784, MedGen C3554306, MONDO:0014002, OMIM 615005.

Allele frequency attached by ClinVar (database versions not stated): 1000 Genomes Project 30x 0.00016; gnomAD 0.00011 and 0.00012; 1000 Genomes Project 0.00020; TOPMed 0.00016; ESP Exome Variant Server 0.00008; gnomAD exomes 0.00002; ExAC 0.00006.
gnomAD v4.1: 39 of 1,609,488 alleles (0.0024%); highest among the groups gnomAD compares: African/African-American, 0.051%; no homozygotes.

Submissions (5):

Women's Health and Genetics/Laboratory Corporation of America, LabCorp
Classification: Likely benign. Last evaluated: 2026-06-15. Review status: criteria provided, single submitter. Criteria: LabCorp Variant Classification Summary - May 2015. Collection method: clinical testing. Allele origin: germline.

Labcorp Genetics (formerly Invitae), Labcorp
Classification: Likely benign for Autosomal dominant nocturnal frontal lobe epilepsy 5; Developmental and epileptic encephalopathy, 14. Last evaluated: 2025-07-27. Review status: criteria provided, single submitter. Criteria: Invitae Variant Classification Sherloc (09022015). Collection method: clinical testing. Allele origin: germline.

Genome-Nilou Lab
Classification: Likely benign for Developmental and epileptic encephalopathy, 14. Last evaluated: 2022-03-15. Review status: criteria provided, single submitter. Criteria: ACMG Guidelines, 2015. Collection method: clinical testing. Allele origin: germline. Affected: no.

Genome-Nilou Lab
Classification: Likely benign for Autosomal dominant nocturnal frontal lobe epilepsy 5. Last evaluated: 2022-03-15. Review status: criteria provided, single submitter. Criteria: ACMG Guidelines, 2015. Collection method: clinical testing. Allele origin: germline. Affected: no.

GeneDx
Classification: Likely benign. Last evaluated: 2017-06-13. Review status: criteria provided, single submitter. Criteria: GeneDx Variant Classification (06012015). Collection method: clinical testing. Allele origin: germline. Affected: yes.
Comment: This variant is considered likely benign or benign based on one or more of the following criteria: it is a conservative change, it occurs at a poorly conserved position in the protein, it is predicted to be benign by multiple in silico algorithms, and/or has population frequency not consistent with disease.

NM_020822.3(KCNT1):c.1827C>T (p.Asn609=)

Gene: KCNT1 (potassium sodium-activated channel subfamily T member 1; plus strand). Cytogenetic location: 9q34.3.
Variant type: single nucleotide variant.
Coding change: c.1827C>T on transcript NM_020822.3 (MANE Select); coding-DNA position 1827, C replaced by T.
Protein change: p.Asn609=; no amino-acid change (asparagine 609 retained).
Molecular consequence: synonymous variant.
Genome position (GRCh38, 1-based): chr9:135,770,914, C>T. VCF-style: chr9-135770914-C-T. GRCh37 (hg19) VCF-style: chr9-138662760-C-T.
Other names: c.1692C>T, p.Asn564= (NM_001272003.2).
Identifiers: ClinVar variation 517987 (VCV000517987.11), dbSNP rs142534422, ClinGen allele CA5327091.